The following is an entry in ClinVar:

ClinVar aggregate classification (germline): Benign. Review status: criteria provided, multiple submitters, no conflicts (2 of 4 stars). 2 submissions from 2 submitters: Benign (2). Last evaluated 2018-06-16.

Allele frequency attached by ClinVar (database versions not stated): ESP Exome Variant Server 0.30223; TOPMed 0.31224; gnomAD exomes 0.32273; gnomAD 0.31224 and 0.32384; 1000 Genomes Project 30x 0.39710; 1000 Genomes Project 0.40176.
gnomAD v4.1: 518,429 of 1,603,538 alleles (32%); highest among the groups gnomAD compares: South Asian, 66%; 90,300 homozygotes.

Submissions (2):

GeneDx
Classification: Benign. Last evaluated: 2018-06-16. Review status: criteria provided, single submitter. Criteria: GeneDx Variant Classification (06012015). Collection method: clinical testing. Allele origin: germline. Affected: yes.
Comment: This variant is considered likely benign or benign based on one or more of the following criteria: it is a conservative change, it occurs at a poorly conserved position in the protein, it is predicted to be benign by multiple in silico algorithms, and/or has population frequency not consistent with disease.

Breakthrough Genomics
Classification: Benign. Review status: criteria provided, single submitter. Criteria: ACMG Guidelines, 2015. Collection method: not provided. Allele origin: germline. Inheritance: Autosomal recessive inheritance. Affected: yes.

NM_016239.4(MYO15A):c.3941+61T>C

Gene: MYO15A (myosin XVA; plus strand). Cytogenetic location: 17p11.2.
Variant type: single nucleotide variant.
Coding change: c.3941+61T>C on transcript NM_016239.4 (MANE Select); 61 bases into the intron after coding-DNA position 3941, T replaced by C.
Molecular consequence: intron variant.
Genome position (GRCh38, 1-based): chr17:18,126,926, T>C. VCF-style: chr17-18126926-T-C. GRCh37 (hg19) VCF-style: chr17-18030240-T-C.
Identifiers: ClinVar variation 682532 (VCV000682532.2), dbSNP rs854792, ClinGen allele CA14446496.
Genomic context (GRCh38, chr17:18,126,926, plus strand): 5'-GTGAGTGGGCTGCCTTTATGTGGGGGATAAATGGGGGACCTTAGGTAGCAGGCCTGCATC[T>C]GGCCAGAACTGCTGTGGGACCTTGGAAGATTGCCTGGTACCTCTGGGTTGGCCCACCGTA-3'